The following is an entry in ClinVar:

ClinVar aggregate classification (germline): Pathogenic (1 of 4 stars; one submission).

Submission:

Labcorp Genetics (formerly Invitae), Labcorp
Classification: Pathogenic. Last evaluated: 2021-01-19. Review status: criteria provided, single submitter. Criteria: Invitae Variant Classification Sherloc (09022015). Collection method: clinical testing. Allele origin: germline.
Comment: This variant disrupts the C-terminus of the ALPL protein. Other variant(s) that disrupt this region (p.Ala492Profs*29) have been determined to be pathogenic (PMID: 15694177, Invitae). This suggests that variants that disrupt this region of the protein are likely to be causative of disease. For these reasons, this variant has been classified as Pathogenic. This sequence change creates a premature translational stop signal (p.Val434Argfs*55) in the ALPL gene. While this is not anticipated to result in nonsense mediated decay, it is expected to disrupt the last 91 amino acid(s) of the ALPL protein. This variant is not present in population databases (ExAC no frequency). This variant has not been reported in the literature in individuals with ALPL-related conditions.

Literature cited by the submitters: PubMed 15694177.

NM_000478.6(ALPL):c.1286_1299dup (p.Val434fs)

Gene: ALPL (alkaline phosphatase, biomineralization associated; plus strand). Cytogenetic location: 1p36.12.
Variant type: Duplication.
Coding change: c.1286_1299dup on transcript NM_000478.6 (MANE Select); coding-DNA positions 1286 to 1299, 14 bases duplicated (AGAATGTCTCCATG).
Protein change: p.Val434fs; shifts the reading frame from valine 434.
Molecular consequence: frameshift variant.
Genome position (GRCh38, 1-based): chr1:21,576,618-21,576,631, AGAATGTCTCCATG duplicated; duplicating any 14 consecutive bases within chr1:21,576,617-21,576,631 gives the same sequence; the c. name uses the placement nearest the transcript's 3' end. VCF-style (leftmost placement, unchanged base first): chr1-21576616-A-AGAGAATGTCTCCAT. GRCh37 (hg19) VCF-style: chr1-21903109-A-AGAGAATGTCTCCAT.
Other names: c.1121_1134dup, p.Val379fs (NM_001127501.4); c.1055_1068dup, p.Val357fs (NM_001177520.3); c.1286_1299dup, p.Val434fs (NM_001369803.2, NM_001369804.2, NM_001369805.2); short protein forms V379fs, V434fs, V357fs.
Identifiers: ClinVar variation 1457899 (VCV001457899.8), dbSNP rs2148192656, ClinGen allele CA2573130582.
Genomic context (GRCh38, chr1:21,576,616, plus strand): 5'-GCCCTTCACTGCCATCCTGTATGGCAATGGGCCTGGCTACAAGGTGGTGGGCGGTGAACG[A>AGAGAATGTCTCCAT]GAGAATGTCTCCATGGTGGACTATGGTGAGACCTCCAGGACCCAGGGCTGGGAGGGGACA-3'